The following is an entry in ClinVar:

ClinVar aggregate classification (germline): Uncertain significance (1 of 4 stars; one submission).

Allele frequency attached by ClinVar (database versions not stated): 1000 Genomes Project 30x 0.00016; 1000 Genomes Project 0.00020.
gnomAD v4.1: 99 of 1,612,706 alleles (0.0061%); highest among the groups gnomAD compares: East Asian, 0.033%; no homozygotes.

Submission:

Labcorp Genetics (formerly Invitae), Labcorp
Classification: Uncertain significance. Last evaluated: 2024-02-24. Review status: criteria provided, single submitter. Criteria: Invitae Variant Classification Sherloc (09022015). Collection method: clinical testing. Allele origin: germline.
Comment: This sequence change affects codon 407 of the PKDCC mRNA. It is a 'silent' change, meaning that it does not change the encoded amino acid sequence of the PKDCC protein. It affects a nucleotide within the consensus splice site. This variant is present in population databases (rs142280977, gnomAD 0.04%). This variant has not been reported in the literature in individuals affected with PKDCC-related conditions. ClinVar contains an entry for this variant (Variation ID: 1426655). Algorithms developed to predict the effect of sequence changes on RNA splicing suggest that this variant is not likely to affect RNA splicing. In summary, the available evidence is currently insufficient to determine the role of this variant in disease. Therefore, it has been classified as a Variant of Uncertain Significance.

NM_138370.3(PKDCC):c.1221C>T (p.Thr407=)

Gene: PKDCC (protein kinase domain containing, cytoplasmic; plus strand). Cytogenetic location: 2p21.
Variant type: single nucleotide variant.
Coding change: c.1221C>T on transcript NM_138370.3 (MANE Select); coding-DNA position 1221, C replaced by T.
Protein change: p.Thr407=; no amino-acid change (threonine 407 retained).
Molecular consequence: synonymous variant.
Genome position (GRCh38, 1-based): chr2:42,055,392, C>T. VCF-style: chr2-42055392-C-T. GRCh37 (hg19) VCF-style: chr2-42282532-C-T.
Identifiers: ClinVar variation 1426655 (VCV001426655.5), dbSNP rs142280977, ClinGen allele CA1628176.
Genomic context (GRCh38, chr2:42,055,392, plus strand): 5'-GGTGCTGCACCTGTACCGGAGCGGGCAGTATCTGCAGAACTCCACGGCAAGCAGCAGTAC[C>T]GGTGAGTGGCCCCAAGCTGATCCACAGGGAAGCAAGAAACAGGTGGGAGGGTGAATGACC-3'
Protein context (NP_612379.2, residues 397-417): YLQNSTASSS[Thr407=]EYQCIPDSTI